The following is an entry in ClinVar:

NM_002775.5(HTRA1):c.992C>T (p.Pro331Leu)

Gene: HTRA1 (HtrA serine peptidase 1; plus strand). Cytogenetic location: 10q26.13.
Variant type: single nucleotide variant.
Coding change: c.992C>T on transcript NM_002775.5 (MANE Select); coding-DNA position 992, C replaced by T.
Protein change: p.Pro331Leu; replaces proline 331 with leucine.
Molecular consequence: missense variant.
Genome position (GRCh38, 1-based): chr10:122,507,389, C>T. VCF-style: chr10-122507389-C-T. GRCh37 (hg19) VCF-style: chr10-124266905-C-T.
Other names: short protein forms P331L.
Identifiers: ClinVar variation 1903394 (VCV001903394.5), dbSNP rs2497649679, ClinGen allele CA378585939.

ClinVar aggregate classification (germline): Uncertain significance (1 of 4 stars; one submission).

Allele frequency attached by ClinVar (database versions not stated): gnomAD exomes below 0.00001.
gnomAD v4.1: 5 of 1,610,524 alleles (0.00031%); highest among the groups gnomAD compares: Non-Finnish European, 0.00042%; no homozygotes.

Submission:

Labcorp Genetics (formerly Invitae), Labcorp
Classification: Uncertain significance. Last evaluated: 2025-08-03. Review status: criteria provided, single submitter. Criteria: Invitae Variant Classification Sherloc (09022015). Collection method: clinical testing. Allele origin: germline.
Comment: This sequence change replaces proline, which is neutral and non-polar, with leucine, which is neutral and non-polar, at codon 331 of the HTRA1 protein (p.Pro331Leu). This variant is not present in population databases (gnomAD no frequency). This variant has not been reported in the literature in individuals affected with HTRA1-related conditions. ClinVar contains an entry for this variant (Variation ID: 1903394). Invitae Evidence Modeling of protein sequence and biophysical properties (such as structural, functional, and spatial information, amino acid conservation, physicochemical variation, residue mobility, and thermodynamic stability) indicates that this missense variant is expected to disrupt HTRA1 protein function with a positive predictive value of 95%. In summary, the available evidence is currently insufficient to determine the role of this variant in disease. Therefore, it has been classified as a Variant of Uncertain Significance.